The following is an entry in ClinVar:

ClinVar aggregate classification (germline): Uncertain significance. Review status: criteria provided, multiple submitters, no conflicts (2 of 4 stars). 2 submissions from 2 submitters: Uncertain significance (2). Last evaluated 2025-02-20.

Conditions:
Menke-Hennekam syndrome 1 (MKHK1). Identifiers: MedGen C5193034, MONDO:0020763, OMIM 618332.
Inborn genetic diseases. Identifiers: MedGen C0950123, MeSH D030342.

Submissions (2):

Ambry Genetics
Classification: Uncertain significance for Inborn genetic diseases. Last evaluated: 2025-02-20. Review status: criteria provided, single submitter. Criteria: Ambry Variant Classification Scheme 2023. Collection method: clinical testing. Allele origin: germline.

Baylor Genetics
Classification: Uncertain significance for Menke-Hennekam syndrome 1. Last evaluated: 2020-03-06. Review status: criteria provided, single submitter. Criteria: ACMG Guidelines, 2015. Collection method: clinical testing. Allele origin: unknown. Affected: yes.
Comment: This variant was determined to be of uncertain significance according to ACMG Guidelines, 2015 [PMID:25741868].

NM_004380.3(CREBBP):c.7118C>T (p.Pro2373Leu)

Gene: CREBBP (CREB binding protein; minus strand). Cytogenetic location: 16p13.3.
Variant type: single nucleotide variant.
Coding change: c.7118C>T on transcript NM_004380.3 (MANE Select); coding-DNA position 7118, C replaced by T.
Protein change: p.Pro2373Leu; replaces proline 2373 with leucine.
Molecular consequence: missense variant.
Genome position (GRCh38, 1-based): chr16:3,727,929, G>A on the plus strand (C>T on the coding strand, the complement: CREBBP is on the minus strand). VCF-style: chr16-3727929-G-A. GRCh37 (hg19) VCF-style: chr16-3777930-G-A.
Other names: c.7004C>T, p.Pro2335Leu (NM_001079846.1); short protein forms P2335L, P2373L.
Identifiers: ClinVar variation 1030787 (VCV001030787.2), dbSNP rs2051790513, ClinGen allele CA394550496.